The following is an entry in ClinVar:

NM_000038.6(APC):c.646-2A>C

Gene: APC (APC regulator of Wnt signaling pathway; plus strand). Cytogenetic location: 5q22.2.
Variant type: single nucleotide variant.
Coding change: c.646-2A>C on transcript NM_000038.6 (MANE Select); the canonical splice acceptor site of the intron before coding-DNA position 646, A replaced by C.
Molecular consequence: splice acceptor variant. On other transcripts: intron variant (5).
Genome position (GRCh38, 1-based): chr5:112,792,444, A>C. VCF-style: chr5-112792444-A-C. GRCh37 (hg19) VCF-style: chr5-112128141-A-C.
Other names: c.-390-2A>C (NM_001407470.1, NM_001407472.1, NM_001354906.2 and 1 more transcripts); c.646-2A>C (NM_001407447.1, NM_001354895.2, NM_001407456.1 and 13 more transcripts); c.646-8835A>C (NM_001407452.1, NM_001407469.1, NM_001354899.2 and 1 more transcripts); c.676-2A>C (NM_001407446.1, NM_001354897.2, NM_001354902.2); c.676-8835A>C (NM_001127511.3); c.469-2A>C (NM_001407453.1, NM_001354900.2, NM_001354901.2 and 1 more transcripts); c.571-2A>C (NM_001407451.1, NM_001354898.2, NM_001354904.2).
Identifiers: ClinVar variation 2203674 (VCV002203674.9), dbSNP rs777848503, ClinGen allele CA360617503.
Genomic context (GRCh38, chr5:112,792,444, plus strand): 5'-GATTATTTCTATTAATATTATTAATAAAAACATAACTAATTAGGTTTCTTGTTTTATTTT[A>C]GCGAAGAATAGCCAGAATTCAGCAAATCGAAAAGGACATACTTCGTATACGACAGCTTTT-3'

ClinVar aggregate classification (germline): Pathogenic/Likely pathogenic. Review status: criteria provided, multiple submitters, no conflicts (2 of 4 stars). 4 submissions from 4 submitters: Pathogenic (2); Likely pathogenic (2). Last evaluated 2024-02-23.

Conditions:
Hereditary cancer-predisposing syndrome. Also called: Neoplastic Syndromes, Hereditary; Tumor predisposition; Hereditary Cancer Syndrome; Hereditary neoplastic syndrome. Identifiers: Orphanet 140162, MedGen C0027672, MeSH D009386, MONDO:0015356.
Familial adenomatous polyposis 1 (FAP1). Also called: POLYPOSIS, ADENOMATOUS INTESTINAL; FAMILIAL ADENOMATOUS POLYPOSIS 1, ATTENUATED. Identifiers: MedGen C2713442, MONDO:0021056, OMIM 175100. Disease mechanism: loss of function.

Submissions (4):

Ambry Genetics
Classification: Pathogenic for Hereditary cancer-predisposing syndrome. Last evaluated: 2024-02-23. Review status: criteria provided, single submitter. Criteria: Ambry Variant Classification Scheme 2023. Collection method: clinical testing. Allele origin: germline.
Comment: The c.646-2A>C intronic pathogenic mutation results from an A to C substitution two nucleotides upstream from coding exon 6 in the APC gene. Alterations that disrupt the canonical splice site are expected to result in aberrant splicing. In silico splice site analysis predicts that this alteration will weaken the native splice acceptor site and will result in the creation or strengthening of a novel splice acceptor site. This variant has been observed in individuals with a personal and/or family history that is consistent with APC-associated disease (Personal communication; Heinritz W et al. Clin Genet, 2003 Apr;63:325-7; Lee JK et al. Cancer Genet, 2022 Apr;262-263:95-101). Other alterations impacting the same acceptor site (c.646-2A>G, c.646-1G>A) have been described in individuals with a personal history that is consistent with APC-associated disease (van der Luijt et al. Hum Mutat. 1997;9(1):7-16; Lagarde A et al. J. Med. Genet. 2010 Oct;47:721-2; Crobach S et al. Fam. Cancer 2012 Dec; Tsukanov AS et al. Russian Journal of Genetics, 2017;53(3):369-75; Ambry internal data). This variant is considered to be rare based on population cohorts in the Genome Aggregation Database (gnomAD). This nucleotide position is highly conserved in available vertebrate species. Based on the supporting evidence, this alteration is interpreted as a disease-causing mutation.

Institute of Human Genetics, University of Leipzig Medical Center
Classification: Pathogenic for Familial adenomatous polyposis 1. Last evaluated: 2023-07-21. Review status: criteria provided, single submitter. Criteria: ACMG Guidelines, 2015. Collection method: clinical testing. Allele origin: unknown. Inheritance: Autosomal dominant inheritance. Affected: yes.
Comment: Criteria applied: PVS1,PS4_MOD,PS1_SUP,PM2_SUP

Myriad Genetics, Inc.
Classification: Likely pathogenic for Familial adenomatous polyposis 1. Last evaluated: 2023-04-27. Review status: criteria provided, single submitter. Criteria: Myriad Autosomal Dominant, Autosomal Recessive and X-Linked Classification Criteria (2023). Collection method: clinical testing. Allele origin: unknown.
Comment: This variant is considered likely pathogenic. This variant occurs within a consensus splice junction and is predicted to result in abnormal mRNA splicing of either an out-of-frame exon or an in-frame exon necessary for protein stability and/or normal function.

Labcorp Genetics (formerly Invitae), Labcorp
Classification: Likely pathogenic for Familial adenomatous polyposis 1. Last evaluated: 2022-10-10. Review status: criteria provided, single submitter. Criteria: Invitae Variant Classification Sherloc (09022015). Collection method: clinical testing. Allele origin: germline.
Comment: In summary, the currently available evidence indicates that the variant is pathogenic, but additional data are needed to prove that conclusively. Therefore, this variant has been classified as Likely Pathogenic. Algorithms developed to predict the effect of sequence changes on RNA splicing suggest that this variant may disrupt the consensus splice site. Disruption of this splice site has been observed in individual(s) with familial adenomatous polyposis (PMID: 12702169). This variant is not present in population databases (gnomAD no frequency). This sequence change affects an acceptor splice site in intron 6 of the APC gene. It is expected to disrupt RNA splicing. Variants that disrupt the donor or acceptor splice site typically lead to a loss of protein function (PMID: 16199547), and loss-of-function variants in APC are known to be pathogenic (PMID: 17963004, 20685668).

Literature cited by the submitters: PubMed 12702169 (cited by Ambry Genetics and Labcorp Genetics (formerly Invitae), Labcorp); PubMed 35189564 (cited by Ambry Genetics); PubMed 16199547 (cited by Labcorp Genetics (formerly Invitae), Labcorp); PubMed 17963004 (cited by Labcorp Genetics (formerly Invitae), Labcorp); PubMed 20685668 (cited by Labcorp Genetics (formerly Invitae), Labcorp).